The following is an entry in ClinVar:

ClinVar aggregate classification (germline): Pathogenic (1 of 4 stars; one submission).

Submission:

Labcorp Genetics (formerly Invitae), Labcorp
Classification: Pathogenic. Last evaluated: 2023-09-21. Review status: criteria provided, single submitter. Criteria: Invitae Variant Classification Sherloc (09022015). Collection method: clinical testing. Allele origin: germline.
Comment: For these reasons, this variant has been classified as Pathogenic. ClinVar contains an entry for this variant (Variation ID: 1423670). This variant has not been reported in the literature in individuals affected with HOGA1-related conditions. This variant is not present in population databases (gnomAD no frequency). This sequence change creates a premature translational stop signal (p.Asn191Lysfs*5) in the HOGA1 gene. It is expected to result in an absent or disrupted protein product. Loss-of-function variants in HOGA1 are known to be pathogenic (PMID: 22391140, 22781098).

Literature cited by the submitters: PubMed 22391140; PubMed 22781098.

NM_138413.4(HOGA1):c.573del (p.Asn191fs)

Gene: HOGA1 (4-hydroxy-2-oxoglutarate aldolase 1; plus strand). Cytogenetic location: 10q24.2.
Variant type: Deletion.
Coding change: c.573del on transcript NM_138413.4 (MANE Select); coding-DNA position 573, one base deleted (T; older notation c.573delT).
Protein change: p.Asn191fs; shifts the reading frame from asparagine 191.
Molecular consequence: frameshift variant. On other transcripts: intron variant (1).
Genome position (GRCh38, 1-based): chr10:97,599,784, T deleted. VCF-style (leftmost placement, unchanged base first): chr10-97599783-AT-A. GRCh37 (hg19) VCF-style: chr10-99359540-AT-A.
Other names: c.212-2073del (NM_001134670.2); short protein forms N191fs.
Identifiers: ClinVar variation 1423670 (VCV001423670.6), dbSNP rs2135722265, ClinGen allele CA2573146101.